The following is an entry in ClinVar:

NC_000017.10:g.(?_48261461)_(48278993_?)dup

Gene: COL1A1 (collagen type I alpha 1 chain; minus strand). Cytogenetic location: 17q21.33.
Variant type: Duplication.
Identifiers: ClinVar variation 4887650 (VCV004887650.1).

ClinVar aggregate classification (germline): Uncertain significance (1 of 4 stars; one submission).

Submission:

Women's Health and Genetics/Laboratory Corporation of America, LabCorp
Classification: Uncertain significance. Last evaluated: 2026-06-26. Review status: criteria provided, single submitter. Criteria: LabCorp Variant Classification Summary - May 2015. Collection method: clinical testing. Allele origin: germline.
Comment: Variant summary: The variant involves the duplication of exons 1-51 in the COL1A1 gene. A presumed nomenclature of c.(?_-119)_(*1402_?)dup has been designated for the purposes of this classification. This duplication includes the entire coding sequence of the gene. As exact breakpoints are unknown, it may extend beyond the annotated region of the gene, to include other flanking genes. The variant was absent in 120778 control chromosomes in the gnomAD database (Structural Variants v4.1 dataset). The available data on variant occurrences in the general population are insufficient to allow any conclusion about variant significance. To our knowledge, no occurrence of c.(?_-119)_(*1402_?)dup in individuals affected with COL1A1-related conditions and no experimental evidence demonstrating its impact on protein function have been reported. No submitters have cited clinical-significance assessments for this variant to ClinVar. Based on the evidence outlined above, the variant was classified as uncertain significance.